The following is an entry in ClinVar:

ClinVar aggregate classification (germline): Uncertain significance (1 of 4 stars; one submission).

gnomAD v4.1: 1 of 1,611,224 alleles (0.000062%); highest among the groups gnomAD compares: South Asian, 0.0011%; no homozygotes.

Submission:

Ambry Genetics
Classification: Uncertain significance. Last evaluated: 2025-12-17. Review status: criteria provided, single submitter. Criteria: Ambry Variant Classification Scheme 2023. Collection method: clinical testing. Allele origin: germline.
Comment: The p.D534V variant (also known as c.1601A>T), located in coding exon 8 of the RNF43 gene, results from an A to T substitution at nucleotide position 1601. The aspartic acid at codon 534 is replaced by valine, an amino acid with highly dissimilar properties. This amino acid position is conserved. In addition, this alteration is predicted to be tolerated by in silico analysis. Based on the available evidence, the clinical significance of this variant remains unclear.

NM_017763.6(RNF43):c.1601A>T (p.Asp534Val)

Gene: RNF43 (ring finger protein 43; minus strand). Cytogenetic location: 17q22.
Variant type: single nucleotide variant.
Coding change: c.1601A>T on transcript NM_017763.6 (MANE Select); coding-DNA position 1601, A replaced by T.
Protein change: p.Asp534Val; replaces aspartic acid 534 with valine.
Molecular consequence: missense variant.
Genome position (GRCh38, 1-based): chr17:58,358,175, T>A on the plus strand (A>T on the coding strand, the complement: RNF43 is on the minus strand). VCF-style: chr17-58358175-T-A. GRCh37 (hg19) VCF-style: chr17-56435536-T-A.
Other names: c.1601A>T, p.Asp534Val (NM_001305544.3, NM_001438820.1, NM_001438821.1 and 1 more transcripts); c.1220A>T, p.Asp407Val (NM_001305545.2, NM_001437987.1); short protein forms D407V, D534V.
Identifiers: ClinVar variation 4841961 (VCV004841961.1).